The following is an entry in ClinVar:

ClinVar aggregate classification (germline): Uncertain significance (1 of 4 stars; one submission).

Conditions:
Hereditary cancer-predisposing syndrome. Also called: Tumor predisposition; Hereditary Cancer Syndrome; Hereditary neoplastic syndrome; Neoplastic Syndromes, Hereditary. Identifiers: Orphanet 140162, MedGen C0027672, MeSH D009386, MONDO:0015356.

Submission:

Ambry Genetics
Classification: Uncertain significance for Hereditary cancer-predisposing syndrome. Last evaluated: 2024-03-19. Review status: criteria provided, single submitter. Criteria: Ambry Variant Classification Scheme 2023. Collection method: clinical testing. Allele origin: germline.
Comment: The p.I798V variant (also known as c.2392A>G), located in coding exon 17 of the KIT gene, results from an A to G substitution at nucleotide position 2392. The isoleucine at codon 798 is replaced by valine, an amino acid with highly similar properties. This amino acid position is well conserved in available vertebrate species. In addition, this alteration is predicted to be tolerated by in silico analysis. Based on the available evidence, the clinical significance of this alteration remains unclear.

NM_000222.3(KIT):c.2392A>G (p.Ile798Val)

Gene: KIT (KIT proto-oncogene, receptor tyrosine kinase; plus strand). Cytogenetic location: 4q12.
Variant type: single nucleotide variant.
Coding change: c.2392A>G on transcript NM_000222.3 (MANE Select); coding-DNA position 2392, A replaced by G.
Protein change: p.Ile798Val; replaces isoleucine 798 with valine.
Molecular consequence: missense variant.
Genome position (GRCh38, 1-based): chr4:54,733,100, A>G. VCF-style: chr4-54733100-A-G. GRCh37 (hg19) VCF-style: chr4-55599266-A-G.
Other names: c.2380A>G, p.Ile794Val (NM_001093772.2, NM_001385292.1); c.2395A>G, p.Ile799Val (NM_001385284.1); c.2389A>G, p.Ile797Val (NM_001385285.1); c.2377A>G, p.Ile793Val (NM_001385286.1); c.2383A>G, p.Ile795Val (NM_001385288.1); c.2392A>G, p.Ile798Val (NM_001385290.1); short protein forms I793V, I799V, I794V, I795V, I797V, I798V.
Identifiers: ClinVar variation 3288741 (VCV003288741.1).